The following is an entry in ClinVar:

NM_023110.3(FGFR1):c.241A>G (p.Ile81Val)

Gene: FGFR1 (fibroblast growth factor receptor 1; minus strand). Cytogenetic location: 8p11.23.
Variant type: single nucleotide variant.
Coding change: c.241A>G on transcript NM_023110.3 (MANE Select); coding-DNA position 241, A replaced by G.
Protein change: p.Ile81Val; replaces isoleucine 81 with valine.
Molecular consequence: missense variant. On other transcripts: intron variant (5).
Genome position (GRCh38, 1-based): chr8:38,429,799, T>C on the plus strand (A>G on the coding strand, the complement: FGFR1 is on the minus strand). VCF-style: chr8-38429799-T-C. GRCh37 (hg19) VCF-style: chr8-38287317-T-C.
Other names: c.241A>G, p.Ile81Val (NM_001174063.2, NM_001174065.2, NM_001354367.2 and 2 more transcripts); c.217A>G, p.Ile73Val (NM_001174064.2); c.340A>G, p.Ile114Val (NM_001174067.2); c.92-1364A>G (NM_001354368.2, NM_001354370.2, NM_023106.3 and 2 more transcripts); c.241A>G (NM_023110.2); short protein forms I73V, I114V, I81V.
Identifiers: ClinVar variation 1401312 (VCV001401312.11), dbSNP rs201574031, ClinGen allele CA4718841.
Genomic context (GRCh38, chr8:38,429,799, plus strand): 5'-AAGCATAGAGGCCGGAGTCTGCGGGCACGGAGTCCTGCACCTCCACCTCCTCCCCTGTGA[T>C]GCGGGTGCGGTTGCTTTCCGCCAGCTGCACCCCGTCCCGCAGCCAGTTGATGCTCTGCAC-3'
Protein context (NP_075598.2, residues 71-91): VQLAESNRTR[Ile81Val]TGEEVEVQDS

ClinVar aggregate classification (germline): Conflicting classifications of pathogenicity. Review status: criteria provided, conflicting classifications (1 of 4 stars). 4 submissions from 4 submitters: Uncertain significance (2); Likely benign (1). 1 of the submissions does not count toward it. Last evaluated 2025-04-17.

Conditions:
FGFR1-related disorder. Also called: FGFR1-related condition; FGFR1-related disorders. Identifiers: MedGen CN380097.
Pfeiffer syndrome (ACS5). Also called: ACS V. Identifiers: Orphanet 710, MedGen C0220658, MONDO:0007043, OMIM 101600.
Hypogonadotropic hypogonadism 2 with or without anosmia (HH2). Also called: HYPOGONADOTROPIC HYPOGONADISM 2 WITH OR WITHOUT ANOSMIA, SUSCEPTIBILITY TO; HYPOGONADOTROPIC HYPOGONADISM 2 WITHOUT ANOSMIA, SUSCEPTIBILITY TO; HYPOGONADOTROPIC HYPOGONADISM 2 WITHOUT ANOSMIA; FGFR1-Related GnRH Deficiency (Kallmann Syndrome 2). Identifiers: Orphanet 478, MedGen C1563720, MONDO:0007844, OMIM 147950. Disease mechanism: loss of function.

Allele frequency attached by ClinVar (database versions not stated): TOPMed 0.00006; gnomAD exomes 0.00007 and 0.00011; ESP Exome Variant Server 0.00008; gnomAD 0.00011 and 0.00013; ExAC 0.00017.
gnomAD v4.1: 119 of 1,613,200 alleles (0.0074%); highest among the groups gnomAD compares: Non-Finnish European, 0.008%; no homozygotes.

Submissions (4):

Labcorp Genetics (formerly Invitae), Labcorp
Classification: Likely benign for Pfeiffer syndrome; Hypogonadotropic hypogonadism 2 with or without anosmia. Last evaluated: 2025-04-17. Review status: criteria provided, single submitter. Criteria: Invitae Variant Classification Sherloc (09022015). Collection method: clinical testing. Allele origin: germline.

Women's Health and Genetics/Laboratory Corporation of America, LabCorp
Classification: Uncertain significance. Last evaluated: 2022-12-21. Review status: criteria provided, single submitter. Criteria: LabCorp Variant Classification Summary - May 2015. Collection method: clinical testing. Allele origin: germline.
Comment: Variant summary: FGFR1 c.241A>G (p.Ile81Val) results in a conservative amino acid change located in the Immunoglobulin subtype 2 domain (IPR003598) of the encoded protein sequence. Four of five in-silico tools predict a benign effect of the variant on protein function. The variant allele was found at a frequency of 0.00014 in 280062 control chromosomes (gnomAD). To our knowledge, no occurrence of c.241A>G in individuals affected with FGFR1-Related Disorders and no experimental evidence demonstrating its impact on protein function have been reported. Two ClinVar submitters have assessed the variant since 2014 without submitting evidence for independent evaluation: the variant was classified as uncertain significance. Based on the evidence outlined above, the variant was classified as uncertain significance.

Institute of Human Genetics, University of Leipzig Medical Center
Classification: Uncertain significance for Pfeiffer syndrome. Last evaluated: 2022-07-11. Review status: criteria provided, single submitter. Criteria: ACMG Guidelines, 2015. Collection method: clinical testing. Allele origin: maternal. Affected: yes.

PreventionGenetics, part of Exact Sciences
Classification: Likely benign for FGFR1-related condition. Last evaluated: 2024-03-29. Review status: no assertion criteria provided. Collection method: clinical testing. Allele origin: germline. Not counted in ClinVar's aggregate classification.
Comment: This variant is classified as likely benign based on ACMG/AMP sequence variant interpretation guidelines (Richards et al. 2015 PMID: 25741868, with internal and published modifications).